The following is an entry in ClinVar:

NM_004336.5(BUB1):c.1870G>A (p.Asp624Asn)

Gene: BUB1 (BUB1 mitotic checkpoint serine/threonine kinase; minus strand). Cytogenetic location: 2q13.
Variant type: single nucleotide variant.
Coding change: c.1870G>A on transcript NM_004336.5 (MANE Select); coding-DNA position 1870, G replaced by A.
Protein change: p.Asp624Asn; replaces aspartic acid 624 with asparagine.
Molecular consequence: missense variant.
Genome position (GRCh38, 1-based): chr2:110,655,745, C>T on the plus strand (G>A on the coding strand, the complement: BUB1 is on the minus strand). VCF-style: chr2-110655745-C-T. GRCh37 (hg19) VCF-style: chr2-111413322-C-T.
Other names: c.1810G>A, p.Asp604Asn (NM_001278616.2); c.1870G>A, p.Asp624Asn (NM_001278617.2); short protein forms D604N, D624N.
Identifiers: ClinVar variation 1781686 (VCV001781686.5), dbSNP rs146717997, ClinGen allele CA1827955.

ClinVar aggregate classification (germline): Uncertain significance. Review status: criteria provided, multiple submitters, no conflicts (2 of 4 stars). 2 submissions from 2 submitters: Uncertain significance (2). Last evaluated 2024-10-28.

Allele frequency attached by ClinVar (database versions not stated): ExAC 0.00011; 1000 Genomes Project 0.00040; 1000 Genomes Project 30x 0.00047.
gnomAD v4.1: 17 of 1,613,170 alleles (0.0011%); highest among the groups gnomAD compares: East Asian, 0.022%; no homozygotes.

Submissions (2):

Ambry Genetics
Classification: Uncertain significance. Last evaluated: 2024-10-28. Review status: criteria provided, single submitter. Criteria: Ambry Variant Classification Scheme 2023. Collection method: clinical testing. Allele origin: germline.
Comment: The p.D624N variant (also known as c.1870G>A), located in coding exon 16 of the BUB1 gene, results from a G to A substitution at nucleotide position 1870. The aspartic acid at codon 624 is replaced by asparagine, an amino acid with highly similar properties. This amino acid position is conserved. In addition, this alteration is predicted to be tolerated by in silico analysis. Since supporting evidence is limited at this time, the clinical significance of this alteration remains unclear.

Labcorp Genetics (formerly Invitae), Labcorp
Classification: Uncertain significance. Last evaluated: 2024-07-13. Review status: criteria provided, single submitter. Criteria: Invitae Variant Classification Sherloc (09022015). Collection method: clinical testing. Allele origin: germline.
Comment: This sequence change replaces aspartic acid, which is acidic and polar, with asparagine, which is neutral and polar, at codon 624 of the BUB1 protein (p.Asp624Asn). This variant is present in population databases (rs146717997, gnomAD 0.1%), and has an allele count higher than expected for a pathogenic variant. This variant has not been reported in the literature in individuals affected with BUB1-related conditions. ClinVar contains an entry for this variant (Variation ID: 1781686). In summary, the available evidence is currently insufficient to determine the role of this variant in disease. Therefore, it has been classified as a Variant of Uncertain Significance.